The following is an entry in ClinVar:

NM_003922.4(HERC1):c.10589C>T (p.Ala3530Val)

Gene: HERC1 (HECT and RLD domain containing E3 ubiquitin protein ligase family member 1; minus strand). Cytogenetic location: 15q22.31.
Variant type: single nucleotide variant.
Coding change: c.10589C>T on transcript NM_003922.4 (MANE Select); coding-DNA position 10589, C replaced by T.
Protein change: p.Ala3530Val; replaces alanine 3530 with valine.
Molecular consequence: missense variant.
Genome position (GRCh38, 1-based): chr15:63,649,883, G>A on the plus strand (C>T on the coding strand, the complement: HERC1 is on the minus strand). VCF-style: chr15-63649883-G-A. GRCh37 (hg19) VCF-style: chr15-63942082-G-A.
Other names: short protein forms A3530V.
Identifiers: ClinVar variation 3614872 (VCV003614872.2).
Genomic context (GRCh38, chr15:63,649,883, plus strand): 5'-AACAATTCTGGAGACTCTCCTGACCAGGCTGTAGCCGGACCCTCTTCTGGCCAAGCCAGG[G>A]CAGATACCCAATGAGGCTGAATATCTACTAATCCTTTTCCTCCTAAAAGGGAAAAAATGT-3'
Protein context (NP_003913.3, residues 3520-3540): LVDIQPHWVS[Ala3530Val]LAWPEEGPAT

ClinVar aggregate classification (germline): Uncertain significance (1 of 4 stars; one submission).

gnomAD v4.1: 32 of 1,611,878 alleles (0.002%); highest among the groups gnomAD compares: South Asian, 0.021%; no homozygotes.

Submission:

Labcorp Genetics (formerly Invitae), Labcorp
Classification: Uncertain significance. Last evaluated: 2024-01-03. Review status: criteria provided, single submitter. Criteria: Invitae Variant Classification Sherloc (09022015). Collection method: clinical testing. Allele origin: germline.
Comment: This sequence change replaces alanine, which is neutral and non-polar, with valine, which is neutral and non-polar, at codon 3530 of the HERC1 protein (p.Ala3530Val). This variant is present in population databases (rs762170804, gnomAD 0.02%). This variant has not been reported in the literature in individuals affected with HERC1-related conditions. Advanced modeling of protein sequence and biophysical properties (such as structural, functional, and spatial information, amino acid conservation, physicochemical variation, residue mobility, and thermodynamic stability) performed at Invitae indicates that this missense variant is not expected to disrupt HERC1 protein function with a negative predictive value of 80%. In summary, the available evidence is currently insufficient to determine the role of this variant in disease. Therefore, it has been classified as a Variant of Uncertain Significance.